The following is an entry in ClinVar:

ClinVar aggregate classification (germline): Likely benign. Review status: criteria provided, multiple submitters, no conflicts (2 of 4 stars). 8 submissions from 8 submitters: Likely benign (8). Last evaluated 2026-06-15.

Conditions:
Classic or attenuated familial adenomatous polyposis. Identifiers: MedGen CN372698, MONDO:0021057.
Familial adenomatous polyposis 1 (FAP1). Also called: POLYPOSIS, ADENOMATOUS INTESTINAL; FAMILIAL ADENOMATOUS POLYPOSIS 1, ATTENUATED. Identifiers: MedGen C2713442, MONDO:0021056, OMIM 175100. Disease mechanism: loss of function.
Hereditary cancer-predisposing syndrome. Also called: Tumor predisposition; Hereditary neoplastic syndrome; Neoplastic Syndromes, Hereditary; Hereditary Cancer Syndrome. Identifiers: Orphanet 140162, MedGen C0027672, MeSH D009386, MONDO:0015356.

Allele frequency attached by ClinVar (database versions not stated): gnomAD exomes 0.00002; TOPMed 0.00001; ESP Exome Variant Server 0.00008; ExAC 0.00001; gnomAD 0.00001.
gnomAD v4.1: 40 of 1,613,912 alleles (0.0025%); highest among the groups gnomAD compares: Non-Finnish European, 0.0031%; 1 homozygote.

Submissions (8):

Women's Health and Genetics/Laboratory Corporation of America, LabCorp
Classification: Likely benign. Last evaluated: 2026-06-15. Review status: criteria provided, single submitter. Criteria: LabCorp Variant Classification Summary - May 2015. Collection method: clinical testing. Allele origin: germline.
Comment: Variant summary: APC c.3512G>A (p.Arg1171His) results in a non-conservative amino acid change in the encoded protein sequence. Algorithms developed to predict the effect of missense changes on protein structure and function are either unavailable or do not agree on the potential impact of this missense change. The variant allele was found at a frequency of 2.5e-05 in 1613912 control chromosomes, predominantly at a frequency of 0.0023 within the Non-Finnish European subpopulation in the gnomAD database, including 6 homozygotes. The observed variant frequency within Non-Finnish European control individuals in the gnomAD database exceeds the estimated maximal expected allele frequency for disease-causing variants in APC. To our knowledge, no occurrence of c.3512G>A in individuals affected with APC-related conditions and no experimental evidence demonstrating its impact on protein function have been reported. ClinVar contains an entry for this variant (Variation ID: 418573). Based on the evidence outlined above, the variant was classified as likely benign.

Labcorp Genetics (formerly Invitae), Labcorp
Classification: Likely benign for Familial adenomatous polyposis 1. Last evaluated: 2025-09-12. Review status: criteria provided, single submitter. Criteria: Invitae Variant Classification Sherloc (09022015). Collection method: clinical testing. Allele origin: germline.

All of Us Research Program, National Institutes of Health
Classification: Likely benign for Classic or attenuated familial adenomatous polyposis. Last evaluated: 2024-05-14. Review status: criteria provided, single submitter. Criteria: ACMG Guidelines, 2015. Collection method: clinical testing. Allele origin: germline. Inheritance: Autosomal dominant inheritance. Observed: 2 variant alleles, 2 heterozygotes.
Comment: This study involves interpretation of variants in research participants for the purpose of population health screening. Participant phenotype was not available at the time of variant classification. Additional details can be found in publication PMID: 35346344, PMCID: PMC8962531

Quest Diagnostics Nichols Institute San Juan Capistrano
Classification: Likely benign. Last evaluated: 2023-03-07. Review status: criteria provided, single submitter. Criteria: Quest Diagnostics criteria. Collection method: clinical testing. Allele origin: unknown.

Sema4
Classification: Likely benign for Hereditary cancer-predisposing syndrome. Last evaluated: 2021-10-28. Review status: criteria provided, single submitter. Criteria: Sema4 Curation Guidelines. Collection method: curation. Allele origin: germline.

Color Diagnostics, LLC DBA Color Health
Classification: Likely benign for Hereditary cancer-predisposing syndrome. Last evaluated: 2018-07-10. Review status: criteria provided, single submitter. Criteria: ACMG Guidelines, 2015. Collection method: clinical testing. Allele origin: germline.

Ambry Genetics
Classification: Likely benign for Hereditary cancer-predisposing syndrome. Last evaluated: 2018-06-01. Review status: criteria provided, single submitter. Criteria: Ambry Variant Classification Scheme 2023. Collection method: clinical testing. Allele origin: germline.

GeneDx
Classification: Likely benign. Last evaluated: 2017-11-02. Review status: criteria provided, single submitter. Criteria: GeneDx Variant Classification (06012015). Collection method: clinical testing. Allele origin: germline. Affected: yes.
Comment: This variant is considered likely benign or benign based on one or more of the following criteria: it is a conservative change, it occurs at a poorly conserved position in the protein, it is predicted to be benign by multiple in silico algorithms, and/or has population frequency not consistent with disease.

Literature cited by the submitters: PubMed 21995949 (cited by Quest Diagnostics Nichols Institute San Juan Capistrano).

NM_000038.6(APC):c.3512G>A (p.Arg1171His)

Gene: APC (APC regulator of Wnt signaling pathway; plus strand). Cytogenetic location: 5q22.2.
Variant type: single nucleotide variant.
Coding change: c.3512G>A on transcript NM_000038.6 (MANE Select); coding-DNA position 3512, G replaced by A.
Protein change: p.Arg1171His; replaces arginine 1171 with histidine.
Molecular consequence: missense variant.
Genome position (GRCh38, 1-based): chr5:112,839,106, G>A. VCF-style: chr5-112839106-G-A. GRCh37 (hg19) VCF-style: chr5-112174803-G-A.
Other names: c.3512G>A, p.Arg1171His (NM_001127510.3, NM_001354895.2); c.3458G>A, p.Arg1153His (NM_001127511.3); c.3566G>A, p.Arg1189His (NM_001354896.2); c.3542G>A, p.Arg1181His (NM_001354897.2); c.3437G>A, p.Arg1146His (NM_001354898.2); c.3428G>A, p.Arg1143His (NM_001354899.2); c.3389G>A, p.Arg1130His (NM_001354900.2); c.3335G>A, p.Arg1112His (NM_001354901.2); and 5 more; short protein forms R1153H, R1171H, R1011H, R1070H, R1146H, R1181H, R1130H, R888H.
Identifiers: ClinVar variation 418573 (VCV000418573.22), dbSNP rs372481703, ClinGen allele CA035612.